The following is an entry in ClinVar:

ClinVar aggregate classification (germline): Uncertain significance. Review status: criteria provided, multiple submitters, no conflicts (2 of 4 stars). 2 submissions from 2 submitters: Uncertain significance (2). Last evaluated 2025-11-25.

Conditions:
Cardiovascular phenotype. Identifiers: MedGen CN230736.
Costello syndrome (CSTLO). Also called: HRAS-Related Costello Syndrome; FACIOCUTANEOSKELETAL SYNDROME; FCS SYNDROME. Identifiers: Orphanet 3071, MedGen C0587248, MONDO:0009026, OMIM 218040.

Submissions (2):

Labcorp Genetics (formerly Invitae), Labcorp
Classification: Uncertain significance for Costello syndrome. Last evaluated: 2025-11-25. Review status: criteria provided, single submitter. Criteria: Invitae Variant Classification Sherloc (09022015). Collection method: clinical testing. Allele origin: germline.
Comment: This sequence change creates a premature translational stop signal (p.Gly60Profs*38) in the HRAS gene. It is expected to result in an absent or disrupted protein product. However, the current clinical and genetic evidence is not sufficient to establish whether loss-of-function variants in HRAS cause disease. This variant is present in population databases (no rsID available, gnomAD 0.0009%). This variant has not been reported in the literature in individuals affected with HRAS-related conditions. ClinVar contains an entry for this variant (Variation ID: 240133). In summary, the available evidence is currently insufficient to determine the role of this variant in disease. Therefore, it has been classified as a Variant of Uncertain Significance.

Ambry Genetics
Classification: Uncertain significance for Cardiovascular phenotype. Last evaluated: 2025-10-14. Review status: criteria provided, single submitter. Criteria: Ambry Variant Classification Scheme 2023. Collection method: clinical testing. Allele origin: germline.
Comment: The c.174_192del19 variant, located in coding exon 2 of the HRAS gene, results from a deletion of 19 nucleotides at nucleotide positions 174 to 192, causing a translational frameshift with a predicted alternate stop codon (p.G60Pfs*38). This alteration is expected to result in protein truncation or nonsense-mediated mRNA decay. However, loss of function has not been established as a mechanism of disease. Based on the available evidence, the clinical significance of this alteration remains unclear.

NM_005343.4(HRAS):c.174_192del (p.Gly60fs)

Genes: HRAS (HRas proto-oncogene, GTPase; minus strand), LRRC56 (leucine rich repeat containing 56; plus strand). Cytogenetic location: 11p15.5.
Variant type: Deletion.
Coding change: c.174_192del on transcript NM_005343.4 (MANE Select); coding-DNA positions 174 to 192, 19 bases deleted (CGCCGGCCAGGAGGAGTAC).
Protein change: p.Gly60fs; shifts the reading frame from glycine 60.
Molecular consequence: frameshift variant. On other transcripts: 5 prime UTR variant (1).
Genome position (GRCh38, 1-based): chr11:533,864-533,882, GTACTCCTCCTGGCCGGCG deleted on the plus strand (CGCCGGCCAGGAGGAGTAC on the coding strand, the reverse complement: HRAS is on the minus strand); deleting any 19 consecutive bases within chr11:533,864-533,885 gives the same sequence; the c. name uses the placement nearest the transcript's 3' end. VCF-style (leftmost placement, unchanged base first): chr11-533863-TGTACTCCTCCTGGCCGGCG-T. GRCh37 (hg19) VCF-style: chr11-533863-TGTACTCCTCCTGGCCGGCG-T.
Other names: c.174_192del, p.Gly60fs (NM_001130442.3, NM_176795.5); c.-146_-128del (NM_001318054.2); c.174_192del19 (NM_005343.2); short protein forms G60fs.
Identifiers: ClinVar variation 240133 (VCV000240133.10), dbSNP rs878854757, ClinGen allele CA10582925.